The following is an entry in ClinVar:

NM_001384732.1(CPLANE1):c.8353C>G (p.Leu2785Val)

Gene: CPLANE1 (ciliogenesis and planar polarity effector complex subunit 1; minus strand). Cytogenetic location: 5p13.2.
Variant type: single nucleotide variant.
Coding change: c.8353C>G on transcript NM_001384732.1 (MANE Select); coding-DNA position 8353, C replaced by G.
Protein change: p.Leu2785Val; replaces leucine 2785 with valine.
Molecular consequence: missense variant.
Genome position (GRCh38, 1-based): chr5:37,153,760, G>C on the plus strand (C>G on the coding strand, the complement: CPLANE1 is on the minus strand). VCF-style: chr5-37153760-G-C. GRCh37 (hg19) VCF-style: chr5-37153862-G-C.
Other names: c.8191C>G (NM_023073.3); c.8191C>G, p.Leu2731Val (NM_023073.4); short protein forms L2731V, L2785V.
Identifiers: ClinVar variation 2009770 (VCV002009770.3), dbSNP rs770735282, ClinGen allele CA3237820.

ClinVar aggregate classification (germline): Uncertain significance. Review status: criteria provided, multiple submitters, no conflicts (2 of 4 stars). 2 submissions from 2 submitters: Uncertain significance (2). Last evaluated 2025-10-01.

Conditions:
Joubert syndrome 17 (JBTS17). Identifiers: Orphanet 475, MedGen C3553264, MONDO:0013824, OMIM 614615.
Orofaciodigital syndrome type 6 (OFD6). Also called: Oral-facial-digital syndrome type 6; Central polydactyly cleft lip/palate or lingual lump and psychomotor retardation; Y-shaped central metacarpal and cerebellar defect; Joubert syndrome with orofacialdigital anomalies; OROFACIODIGITAL SYNDROME VI; OFDS VI. Identifiers: Orphanet 2754, MedGen C2745997, MONDO:0010176, OMIM 277170.

Allele frequency attached by ClinVar (database versions not stated): ExAC 0.00001; 1000 Genomes Project 30x 0.00031.
gnomAD v4.1: 2 of 1,612,840 alleles (0.00012%); highest among the groups gnomAD compares: African/African-American, 0.0027%; no homozygotes.

Submissions (2):

Labcorp Genetics (formerly Invitae), Labcorp
Classification: Uncertain significance. Last evaluated: 2025-10-01. Review status: criteria provided, single submitter. Criteria: Invitae Variant Classification Sherloc (09022015). Collection method: clinical testing. Allele origin: germline.
Comment: This sequence change replaces leucine, which is neutral and non-polar, with valine, which is neutral and non-polar, at codon 2731 of the CPLANE1 protein (p.Leu2731Val). This variant is present in population databases (rs770735282, gnomAD 0.008%). This variant has not been reported in the literature in individuals affected with CPLANE1-related conditions. ClinVar contains an entry for this variant (Variation ID: 2009770). Invitae Evidence Modeling of protein sequence and biophysical properties (such as structural, functional, and spatial information, amino acid conservation, physicochemical variation, residue mobility, and thermodynamic stability) indicates that this missense variant is not expected to disrupt CPLANE1 protein function with a negative predictive value of 95%. In summary, the available evidence is currently insufficient to determine the role of this variant in disease. Therefore, it has been classified as a Variant of Uncertain Significance.

Fulgent Genetics
Classification: Uncertain significance for Orofaciodigital syndrome type 6; Joubert syndrome 17. Last evaluated: 2024-06-04. Review status: criteria provided, single submitter. Criteria: ACMG Guidelines, 2015. Collection method: clinical testing. Allele origin: germline.